The following is an entry in ClinVar:

NM_017534.6(MYH2):c.5087C>A (p.Ala1696Asp)

Genes: MYHAS (myosin heavy chain gene cluster antisense RNA; plus strand), MYH2 (myosin heavy chain 2; minus strand), LOC126862500 (BRD4-independent group 4 enhancer GRCh37_chr17:10427829-10429028; plus strand). Cytogenetic location: 17p13.1.
Variant type: single nucleotide variant.
Coding change: c.5087C>A on transcript NM_017534.6 (MANE Select); coding-DNA position 5087, C replaced by A.
Protein change: p.Ala1696Asp; replaces alanine 1696 with aspartic acid.
Molecular consequence: missense variant.
Genome position (GRCh38, 1-based): chr17:10,524,554, G>T on the plus strand (C>A on the coding strand, the complement: MYH2 is on the minus strand). VCF-style: chr17-10524554-G-T. GRCh37 (hg19) VCF-style: chr17-10427871-G-T.
Other names: c.5087C>A, p.Ala1696Asp (NM_001100112.2); short protein forms A1696D.
Identifiers: ClinVar variation 938977 (VCV000938977.5), dbSNP rs1050339515, ClinGen allele CA287735442.

ClinVar aggregate classification (germline): Uncertain significance. Review status: criteria provided, multiple submitters, no conflicts (2 of 4 stars). 2 submissions from 2 submitters: Uncertain significance (2). Last evaluated 2022-09-14.

Conditions:
Myopathy, proximal, and ophthalmoplegia (CMYO6). Also called: MYOPATHY WITH CONGENITAL JOINT CONTRACTURES, OPHTHALMOPLEGIA, AND RIMMED VACUOLES; INCLUSION BODY MYOPATHY 3, AUTOSOMAL DOMINANT; CONGENITAL MYOPATHY 6 WITH OPHTHALMOPLEGIA. Identifiers: Orphanet 363677, Orphanet 79091, MedGen C1854106, MONDO:0011577, OMIM 605637.
Inborn genetic diseases. Identifiers: MedGen C0950123, MeSH D030342.

Allele frequency attached by ClinVar (database versions not stated): TOPMed 0.00003; gnomAD exomes below 0.00001; gnomAD 0.00002.
gnomAD v4.1: 10 of 1,614,078 alleles (0.00062%); highest among the groups gnomAD compares: African/African-American, 0.013%; no homozygotes.

Submissions (2):

Ambry Genetics
Classification: Uncertain significance for Inborn genetic diseases. Last evaluated: 2022-09-14. Review status: criteria provided, single submitter. Criteria: Ambry Variant Classification Scheme 2023. Collection method: clinical testing. Allele origin: germline.

Labcorp Genetics (formerly Invitae), Labcorp
Classification: Uncertain significance for Myopathy, proximal, and ophthalmoplegia. Last evaluated: 2022-06-04. Review status: criteria provided, single submitter. Criteria: Invitae Variant Classification Sherloc (09022015). Collection method: clinical testing. Allele origin: germline.
Comment: This sequence change replaces alanine, which is neutral and non-polar, with aspartic acid, which is acidic and polar, at codon 1696 of the MYH2 protein (p.Ala1696Asp). This variant is present in population databases (no rsID available, gnomAD 0.007%). This variant has not been reported in the literature in individuals affected with MYH2-related conditions. ClinVar contains an entry for this variant (Variation ID: 938977). Algorithms developed to predict the effect of missense changes on protein structure and function are either unavailable or do not agree on the potential impact of this missense change (SIFT: "Deleterious"; PolyPhen-2: "Possibly Damaging"; Align-GVGD: "Class C0"). In summary, the available evidence is currently insufficient to determine the role of this variant in disease. Therefore, it has been classified as a Variant of Uncertain Significance.